The following is an entry in ClinVar:

NM_006164.5(NFE2L2):c.595-5T>G

Gene: NFE2L2 (NFE2 like bZIP transcription factor 2; minus strand). Cytogenetic location: 2q31.2.
Variant type: single nucleotide variant.
Coding change: c.595-5T>G on transcript NM_006164.5 (MANE Select); 5 bases into the intron before coding-DNA position 595, T replaced by G.
Molecular consequence: intron variant.
Genome position (GRCh38, 1-based): chr2:177,232,013, A>C on the plus strand (T>G on the coding strand, the complement: NFE2L2 is on the minus strand). VCF-style: chr2-177232013-A-C. GRCh37 (hg19) VCF-style: chr2-178096741-A-C.
Other names: c.547-5T>G (NM_001313900.1, NM_001313901.1, NM_001145412.3); c.295-5T>G (NM_001313904.1); c.526-5T>G (NM_001145413.3); c.376-5T>G (NM_001313903.2); c.505-5T>G (NM_001313902.2).
Identifiers: ClinVar variation 4716920 (VCV004716920.1).

ClinVar aggregate classification (germline): Uncertain significance (1 of 4 stars; one submission).

Submission:

Labcorp Genetics (formerly Invitae), Labcorp
Classification: Uncertain significance. Last evaluated: 2025-04-14. Review status: criteria provided, single submitter. Criteria: Invitae Variant Classification Sherloc (09022015). Collection method: clinical testing. Allele origin: germline.
Comment: This sequence change falls in intron 4 of the NFE2L2 gene. It does not directly change the encoded amino acid sequence of the NFE2L2 protein. This variant is present in population databases (no rsID available, gnomAD 0.001%). This variant has not been reported in the literature in individuals affected with NFE2L2-related conditions. Algorithms developed to predict the effect of sequence changes on RNA splicing suggest that this variant may disrupt the consensus splice site. In summary, the available evidence is currently insufficient to determine the role of this variant in disease. Therefore, it has been classified as a Variant of Uncertain Significance.